The following is an entry in ClinVar:

ClinVar aggregate classification (germline): Pathogenic (1 of 4 stars; one submission).

Conditions:
Growth hormone insensitivity with immune dysregulation 1, autosomal recessive. Also called: GROWTH HORMONE INSENSITIVITY DUE TO POSTRECEPTOR DEFECT; LARON SYNDROME DUE TO POSTRECEPTOR DEFECT; GROWTH HORMONE INSENSITIVITY SYNDROME WITH IMMUNE DYSREGULATION 1, AUTOSOMAL RECESSIVE; Laron syndrome with immunodeficiency. Identifiers: Orphanet 220465, MedGen C5435698, MONDO:0100211, OMIM 245590.

Submission:

Dubai Health Genomic Medicine Center, Dubai Health
Classification: Pathogenic for Growth hormone insensitivity with immune dysregulation 1, autosomal recessive. Last evaluated: 2024-10-04. Review status: criteria provided, single submitter. Criteria: ACMG Guidelines, 2015. Collection method: research. Allele origin: germline. Affected: yes.
Comment: PVS1,PM2,PP1

NM_012448.4(STAT5B):c.1892G>A (p.Trp631Ter)

Gene: STAT5B (signal transducer and activator of transcription 5B; minus strand). Cytogenetic location: 17q21.2.
Variant type: single nucleotide variant.
Coding change: c.1892G>A on transcript NM_012448.4 (MANE Select); coding-DNA position 1892, G replaced by A.
Protein change: p.Trp631Ter; replaces tryptophan 631 with a stop codon.
Molecular consequence: nonsense.
Genome position (GRCh38, 1-based): chr17:42,210,185, C>T on the plus strand (G>A on the coding strand, the complement: STAT5B is on the minus strand). VCF-style: chr17-42210185-C-T. GRCh37 (hg19) VCF-style: chr17-40362203-C-T.
Other names: short protein forms W631*.
Identifiers: ClinVar variation 3384021 (VCV003384021.1).